The following is an entry in ClinVar:

ClinVar aggregate classification (germline): Benign (1 of 4 stars; one submission).

Conditions:
Gamma-aminobutyric acid transaminase deficiency (GABATD). Also called: GABA transaminase deficiency; Gamma aminobutyrate transaminase deficiency; 4 alpha aminobutyrate transaminase deficiency; GABA aminotransaminase deficiency. Identifiers: Orphanet 2066, MedGen C0342708, MONDO:0013166, OMIM 613163.

Allele frequency attached by ClinVar (database versions not stated): gnomAD 0.00171 and 0.00183; 1000 Genomes Project 0.00339; TOPMed 0.00353; 1000 Genomes Project 30x 0.00406.

Submission:

Illumina Laboratory Services, Illumina
Classification: Benign for Gamma-aminobutyric acid transaminase deficiency. Last evaluated: 2018-01-13. Review status: criteria provided, single submitter. Criteria: ICSL Variant Classification Criteria 13 December 2019. Collection method: clinical testing. Allele origin: germline.
Comment: This variant was observed in the ICSL laboratory as part of a predisposition screen in an ostensibly healthy population. It had not been previously curated by ICSL or reported in the Human Gene Mutation Database (HGMD: prior to June 1st, 2018), and was therefore a candidate for classification through an automated scoring system. Utilizing variant allele frequency, disease prevalence and penetrance estimates, and inheritance mode, an automated score was calculated to assess if this variant is too frequent to cause the disease. Based on the score and internal cut-off values, a variant classified as benign is not then subjected to further curation. The score for this variant resulted in a classification of benign for this disease.

NM_020686.6(ABAT):c.*2744G>C

Gene: ABAT (4-aminobutyrate aminotransferase; plus strand). Cytogenetic location: 16p13.2.
Variant type: single nucleotide variant.
Coding change: c.*2744G>C on transcript NM_020686.6 (MANE Select); 2744 bases downstream of the stop codon, G replaced by C.
Molecular consequence: 3 prime UTR variant.
Genome position (GRCh38, 1-based): chr16:8,784,174, G>C. VCF-style: chr16-8784174-G-C. GRCh37 (hg19) VCF-style: chr16-8878031-G-C.
Other names: c.*2744G>C (NM_000663.5, NM_001127448.2, NM_001386600.1 and 14 more transcripts); c.*2758G>C (NM_001386609.1, NM_001386616.1).
Identifiers: ClinVar variation 885604 (VCV000885604.4), dbSNP rs192892941, ClinGen allele CA277477166.